The following is an entry in ClinVar:

ClinVar aggregate classification (germline): Uncertain significance (1 of 4 stars; one submission).

Conditions:
Hereditary cancer-predisposing syndrome. Also called: Neoplastic Syndromes, Hereditary; Hereditary Cancer Syndrome; Tumor predisposition; Hereditary neoplastic syndrome. Identifiers: Orphanet 140162, MedGen C0027672, MeSH D009386, MONDO:0015356.

Submission:

Ambry Genetics
Classification: Uncertain significance for Hereditary cancer-predisposing syndrome. Last evaluated: 2024-12-15. Review status: criteria provided, single submitter. Criteria: Ambry Variant Classification Scheme 2023. Collection method: clinical testing. Allele origin: germline.
Comment: The p.A95P variant (also known as c.283G>C), located in coding exon 4 of the RAD51D gene, results from a G to C substitution at nucleotide position 283. The alanine at codon 95 is replaced by proline, an amino acid with highly similar properties. This amino acid position is conserved. In addition, this alteration is predicted to be tolerated by in silico analysis. Based on the available evidence, the clinical significance of this variant remains unclear.

NM_002878.4(RAD51D):c.283G>C (p.Ala95Pro)

Genes: RAD51D (RAD51 paralog D; minus strand), RAD51L3-RFFL (RAD51L3-RFFL readthrough; minus strand). Cytogenetic location: 17q12.
Variant type: single nucleotide variant.
Coding change: c.283G>C on transcript NM_002878.4 (MANE Select); coding-DNA position 283, G replaced by C.
Protein change: p.Ala95Pro; replaces alanine 95 with proline.
Molecular consequence: missense variant. On other transcripts: non-coding transcript variant (2), intron variant (1).
Genome position (GRCh38, 1-based): chr17:35,107,428, C>G on the plus strand (G>C on the coding strand, the complement: RAD51D is on the minus strand). VCF-style: chr17-35107428-C-G. GRCh37 (hg19) VCF-style: chr17-33434447-C-G.
Other names: c.343G>C, p.Ala115Pro (NM_001142571.2); c.145-947G>C (NM_133629.3); short protein forms A115P, A95P.
Identifiers: ClinVar variation 3786511 (VCV003786511.1).